The following is an entry in ClinVar:

ClinVar aggregate classification (germline): Uncertain significance. Review status: criteria provided, multiple submitters, no conflicts (2 of 4 stars). 3 submissions from 3 submitters: Uncertain significance (3). Last evaluated 2025-02-08.

Conditions:
Inborn genetic diseases. Identifiers: MedGen C0950123, MeSH D030342.

Allele frequency attached by ClinVar (database versions not stated): gnomAD 0.00004 and 0.00005; ExAC 0.00005; gnomAD exomes 0.00006; TOPMed 0.00008.
gnomAD v4.1: 93 of 1,602,468 alleles (0.0058%); highest among the groups gnomAD compares: East Asian, 0.1%; no homozygotes.

Submissions (3):

Ambry Genetics
Classification: Uncertain significance for Inborn genetic diseases. Last evaluated: 2025-02-08. Review status: criteria provided, single submitter. Criteria: Ambry Variant Classification Scheme 2023. Collection method: clinical testing. Allele origin: germline.

Blueprint Genetics
Classification: Uncertain significance. Last evaluated: 2024-09-18. Review status: criteria provided, single submitter. Criteria: ACMG Guidelines, 2015. Collection method: clinical testing. Allele origin: germline.

Labcorp Genetics (formerly Invitae), Labcorp
Classification: Uncertain significance. Last evaluated: 2022-06-04. Review status: criteria provided, single submitter. Criteria: Invitae Variant Classification Sherloc (09022015). Collection method: clinical testing. Allele origin: germline.
Comment: This sequence change replaces valine, which is neutral and non-polar, with methionine, which is neutral and non-polar, at codon 385 of the TUBGCP6 protein (p.Val385Met). This variant is present in population databases (rs772405798, gnomAD 0.03%). This variant has not been reported in the literature in individuals affected with TUBGCP6-related conditions. ClinVar contains an entry for this variant (Variation ID: 1023074). Algorithms developed to predict the effect of missense changes on protein structure and function are either unavailable or do not agree on the potential impact of this missense change (SIFT: "Tolerated"; PolyPhen-2: "Probably Damaging"; Align-GVGD: "Class C0"). In summary, the available evidence is currently insufficient to determine the role of this variant in disease. Therefore, it has been classified as a Variant of Uncertain Significance.

NM_020461.4(TUBGCP6):c.1153G>A (p.Val385Met)

Gene: TUBGCP6 (tubulin gamma complex component 6; minus strand). Cytogenetic location: 22q13.33.
Variant type: single nucleotide variant.
Coding change: c.1153G>A on transcript NM_020461.4 (MANE Select); coding-DNA position 1153, G replaced by A.
Protein change: p.Val385Met; replaces valine 385 with methionine.
Molecular consequence: missense variant.
Genome position (GRCh38, 1-based): chr22:50,229,541, C>T on the plus strand (G>A on the coding strand, the complement: TUBGCP6 is on the minus strand). VCF-style: chr22-50229541-C-T. GRCh37 (hg19) VCF-style: chr22-50667970-C-T.
Other names: c.1153G>A (NM_020461.3); short protein forms V385M.
Identifiers: ClinVar variation 1023074 (VCV001023074.6), dbSNP rs772405798, ClinGen allele CA10308802.